The following is an entry in ClinVar:

NM_013262.4(MYLIP):c.1187A>C (p.Asn396Thr)

Gene: MYLIP (myosin regulatory light chain interacting protein; plus strand). Cytogenetic location: 6p22.3.
Variant type: single nucleotide variant.
Coding change: c.1187A>C on transcript NM_013262.4 (MANE Select); coding-DNA position 1187, A replaced by C.
Protein change: p.Asn396Thr; replaces asparagine 396 with threonine.
Molecular consequence: missense variant.
Genome position (GRCh38, 1-based): chr6:16,145,256, A>C. VCF-style: chr6-16145256-A-C. GRCh37 (hg19) VCF-style: chr6-16145487-A-C.
Other names: c.1022A>C, p.Asn341Thr (NM_001436627.1); short protein forms N341T, N396T.
Identifiers: ClinVar variation 4751808 (VCV004751808.1).
Genomic context (GRCh38, chr6:16,145,256, plus strand): 5'-AGAAGCTACGCAAGCTGAAGGAAGCCATGCTGTGCATGGTGTGCTGCGAGGAGGAGATCA[A>C]CTCCACCTTCTGTCCCTGTGGCCACACTGTGTGCTGTGAGAGCTGCGCCGCCCAGCTACA-3'
Protein context (NP_037394.2, residues 386-406): LCMVCCEEEI[Asn396Thr]STFCPCGHTV

ClinVar aggregate classification (germline): Uncertain significance (1 of 4 stars; one submission).

Submission:

Labcorp Genetics (formerly Invitae), Labcorp
Classification: Uncertain significance. Last evaluated: 2026-01-11. Review status: criteria provided, single submitter. Criteria: Invitae Variant Classification Sherloc (09022015). Collection method: clinical testing. Allele origin: germline.
Comment: This sequence change replaces asparagine, which is neutral and polar, with threonine, which is neutral and polar, at codon 396 of the MYLIP protein (p.Asn396Thr). This variant is present in population databases (rs769472525, gnomAD 0.007%). This missense change has been observed in individual(s) with dyslipidemia (PMID: 32041611). An algorithm developed to predict the effect of missense changes on protein structure and function (PolyPhen-2) suggests that this variant is likely to be tolerated. In summary, the available evidence is currently insufficient to determine the role of this variant in disease. Therefore, it has been classified as a Variant of Uncertain Significance.

Literature cited by the submitters: PubMed 32041611.